The following is an entry in ClinVar:

ClinVar aggregate classification (germline): Likely pathogenic (1 of 4 stars; one submission).

Conditions:
Multiple congenital anomalies-hypotonia-seizures syndrome 1 (MCAHS1). Also called: PIGN-CDG; Congenital disorder of glycosylation due to PIGN deficiency; GLYCOSYLPHOSPHATIDYLINOSITOL BIOSYNTHESIS DEFECT 3. Identifiers: Orphanet 280633, MedGen C3279775, MONDO:0013563, OMIM 614080.

gnomAD v4.1: 3 of 1,613,634 alleles (0.00019%); highest among the groups gnomAD compares: South Asian, 0.0011%; no homozygotes.

Submission:

Juno Genomics, Hangzhou Juno Genomics, Inc
Classification: Likely pathogenic for Multiple congenital anomalies-hypotonia-seizures syndrome 1. Review status: criteria provided, single submitter. Criteria: ACMG Guidelines, 2015. Collection method: clinical testing. Allele origin: germline.
Comment: Null variant in a gene where loss of function (LOF) is a known mechanism of disease.;Absent from controls (or at extremely low frequency if recessive) in Genome Aggregation Database.

NM_176787.5(PIGN):c.103C>T (p.Gln35Ter)

Gene: PIGN (phosphatidylinositol glycan anchor biosynthesis class N; minus strand). Cytogenetic location: 18q21.33.
Variant type: single nucleotide variant.
Coding change: c.103C>T on transcript NM_176787.5 (MANE Select); coding-DNA position 103, C replaced by T.
Protein change: p.Gln35Ter; replaces glutamine 35 with a stop codon.
Molecular consequence: nonsense.
Genome position (GRCh38, 1-based): chr18:62,161,251, G>A on the plus strand (C>T on the coding strand, the complement: PIGN is on the minus strand). VCF-style: chr18-62161251-G-A. GRCh37 (hg19) VCF-style: chr18-59828484-G-A.
Other names: c.103C>T, p.Gln35Ter (NM_001438896.1, NM_001438904.1, NM_001438905.1 and 2 more transcripts); short protein forms Q35*.
Identifiers: ClinVar variation 5005902 (VCV005005902.2).